The following is an entry in ClinVar:

ClinVar aggregate classification (germline): Pathogenic (1 of 4 stars; one submission).

Submission:

Labcorp Genetics (formerly Invitae), Labcorp
Classification: Pathogenic. Last evaluated: 2022-08-06. Review status: criteria provided, single submitter. Criteria: Invitae Variant Classification Sherloc (09022015). Collection method: clinical testing. Allele origin: germline.
Comment: This sequence change creates a premature translational stop signal (p.Asp1074Profs*12) in the LOXHD1 gene. It is expected to result in an absent or disrupted protein product. Loss-of-function variants in LOXHD1 are known to be pathogenic (PMID: 19732867, 21465660, 25792669). This variant is not present in population databases (gnomAD no frequency). This variant has not been reported in the literature in individuals affected with LOXHD1-related conditions. Algorithms developed to predict the effect of sequence changes on RNA splicing suggest that this variant may disrupt the consensus splice site. For these reasons, this variant has been classified as Pathogenic.

Literature cited by the submitters: PubMed 19732867; PubMed 21465660; PubMed 25792669.

NC_000018.10:g.46557485TCTG[1]

Gene: LOXHD1 (lipoxygenase homology PLAT domains 1; minus strand). Cytogenetic location: 18q21.1.
Variant type: Microsatellite.
Genome position: GRCh38 VCF-style: chr18-46557482-GTGTC-G. GRCh37 (hg19) VCF-style: chr18-44137445-GTGTC-G.
Identifiers: ClinVar variation 2022281 (VCV002022281.5), ClinGen allele CA2576497308.
Genomic context (GRCh38, chr18:46,557,482, plus strand): 5'-TTGTCGTGGCGAATCCGAATCTTGGTCAGGGCCCCCAGGTCAATGGCATAGATGGTGAAG[GTGTC>G]TGTCTGGGAAGGGCCAGGGAACACTCAGTGGGGTAAGACCTACCCCTCCCCACATGGCCA-3'